The following is an entry in ClinVar:

NM_019109.5(ALG1):c.212C>T (p.Ser71Phe)

Gene: ALG1 (ALG1 chitobiosyldiphosphodolichol beta-mannosyltransferase; plus strand). Cytogenetic location: 16p13.3.
Variant type: single nucleotide variant.
Coding change: c.212C>T on transcript NM_019109.5 (MANE Select); coding-DNA position 212, C replaced by T.
Protein change: p.Ser71Phe; replaces serine 71 with phenylalanine.
Molecular consequence: missense variant. On other transcripts: 5 prime UTR variant (1).
Genome position (GRCh38, 1-based): chr16:5,072,954, C>T. VCF-style: chr16-5072954-C-T. GRCh37 (hg19) VCF-style: chr16-5122955-C-T.
Other names: c.-122C>T (NM_001330504.2); short protein forms S71F.
Identifiers: ClinVar variation 690319 (VCV000690319.10), dbSNP rs200605408, ClinGen allele CA7889727.

ClinVar aggregate classification (germline): Pathogenic/Likely pathogenic. Review status: criteria provided, multiple submitters, no conflicts (2 of 4 stars). 3 submissions from 3 submitters: Pathogenic (1); Likely pathogenic (1). 1 of the submissions does not count toward it. Last evaluated 2026-01-05.

Conditions:
Congenital disorder of glycosylation (CDG). Also called: Carbohydrate-deficient glycoprotein syndrome; Congenital disorders of glycosylation. Identifiers: Orphanet 137, MedGen C0282577, MONDO:0015286.
ALG1-congenital disorder of glycosylation. Also called: CONGENITAL DISORDER OF GLYCOSYLATION, TYPE Ik; CDG Ik; ALG1-CDG. Identifiers: Orphanet 79327, MedGen C2931005, MONDO:0012052, OMIM 608540.

Allele frequency attached by ClinVar (database versions not stated): gnomAD 0.00004; ExAC 0.00006; TOPMed 0.00006.
gnomAD v4.1: 79 of 1,614,044 alleles (0.0049%); highest among the groups gnomAD compares: Non-Finnish European, 0.00085%; no homozygotes.

Submissions (3):

Labcorp Genetics (formerly Invitae), Labcorp
Classification: Pathogenic for ALG1-congenital disorder of glycosylation. Last evaluated: 2026-01-05. Review status: criteria provided, single submitter. Criteria: Invitae Variant Classification Sherloc (09022015). Collection method: clinical testing. Allele origin: germline.
Comment: This sequence change replaces serine, which is neutral and polar, with phenylalanine, which is neutral and non-polar, at codon 71 of the ALG1 protein (p.Ser71Phe). This variant is present in population databases (rs200605408, gnomAD 0.2%). This missense change has been observed in individual(s) with ALG1-CDG (PMID: 26931382). In at least one individual the data is consistent with being in trans (on the opposite chromosome) from a pathogenic variant. ClinVar contains an entry for this variant (Variation ID: 690319). Invitae Evidence Modeling of protein sequence and biophysical properties (such as structural, functional, and spatial information, amino acid conservation, physicochemical variation, residue mobility, and thermodynamic stability) indicates that this missense variant is expected to disrupt ALG1 protein function with a positive predictive value of 95%. Experimental studies have shown that this missense change affects ALG1 function (PMID: 26931382). For these reasons, this variant has been classified as Pathogenic.

Fulgent Genetics
Classification: Likely pathogenic for ALG1-congenital disorder of glycosylation. Last evaluated: 2024-02-21. Review status: criteria provided, single submitter. Criteria: ACMG Guidelines, 2015. Collection method: clinical testing. Allele origin: germline.

University of Washington Center for Mendelian Genomics, University of Washington
Classification: Likely pathogenic for Congenital disorder of glycosylation. Last evaluated: 2017-05-25. Review status: no assertion criteria provided. Collection method: research. Allele origin: unknown. Affected: yes. Not counted in ClinVar's aggregate classification.

Literature cited by the submitters: PubMed 26931382 (cited by Labcorp Genetics (formerly Invitae), Labcorp and University of Washington Center for Mendelian Genomics, University of Washington).